The following is an entry in ClinVar:

NM_015512.5(DNAH1):c.5804C>A (p.Ala1935Asp)

Gene: DNAH1 (dynein axonemal heavy chain 1; plus strand). Cytogenetic location: 3p21.1.
Variant type: single nucleotide variant.
Coding change: c.5804C>A on transcript NM_015512.5 (MANE Select); coding-DNA position 5804, C replaced by A.
Protein change: p.Ala1935Asp; replaces alanine 1935 with aspartic acid.
Molecular consequence: missense variant.
Genome position (GRCh38, 1-based): chr3:52,368,779, C>A. VCF-style: chr3-52368779-C-A. GRCh37 (hg19) VCF-style: chr3-52402795-C-A.
Other names: c.5804C>A (NM_015512.4); short protein forms A1935D.
Identifiers: ClinVar variation 1971260 (VCV001971260.27), dbSNP rs370590676, ClinGen allele CA2434339.
Genomic context (GRCh38, chr3:52,368,779, plus strand): 5'-CCTCTCCTCCCTGGCGCTGCAGGACAGACGGGATATTCTCCTCGTTCATCCGGGCGGGGG[C>A]CATCACCTCCGACACCAACAAGAAGTGGTACATGTTCGATGGGCCGGTGGATGCCATCTG-3'
Protein context (NP_056327.4, residues 1925-1945): GIFSSFIRAG[Ala1935Asp]ITSDTNKKWY

ClinVar aggregate classification (germline): Uncertain significance. Review status: criteria provided, multiple submitters, no conflicts (2 of 4 stars). 3 submissions from 3 submitters: Uncertain significance (3). Last evaluated 2025-11-01.

Conditions:
Spermatogenic failure 18. Identifiers: MedGen C4539783, MONDO:0054615, OMIM 617576.
Ciliary dyskinesia, primary, 37 (CILD37). Also called: CILIARY DYSKINESIA, PRIMARY, 37, WITH OR WITHOUT SITUS INVERSUS. Identifiers: MedGen C4539798, MONDO:0033204, OMIM 617577.
DNAH1-related disorder. Also called: DNAH1-related condition.

Allele frequency attached by ClinVar (database versions not stated): ExAC 0.00002; ESP Exome Variant Server 0.00008; TOPMed 0.00008; gnomAD 0.00009.
gnomAD v4.1: 215 of 1,613,806 alleles (0.013%); highest among the groups gnomAD compares: Non-Finnish European, 0.018%; no homozygotes.

Submissions (3):

CeGaT Center for Human Genetics Tuebingen
Classification: Uncertain significance. Last evaluated: 2025-11-01. Review status: criteria provided, single submitter. Criteria: CeGaT Center For Human Genetics Tuebingen Variant Classification Criteria Version 2. Collection method: clinical testing. Allele origin: germline. Affected: yes. Observed: 1 variant allele.
Comment: DNAH1: PM2, BP4

Labcorp Genetics (formerly Invitae), Labcorp
Classification: Uncertain significance for Ciliary dyskinesia, primary, 37; Spermatogenic failure 18. Last evaluated: 2024-01-11. Review status: criteria provided, single submitter. Criteria: Invitae Variant Classification Sherloc (09022015). Collection method: clinical testing. Allele origin: germline.
Comment: This sequence change replaces alanine, which is neutral and non-polar, with aspartic acid, which is acidic and polar, at codon 1935 of the DNAH1 protein (p.Ala1935Asp). This variant is present in population databases (rs370590676, gnomAD 0.01%). This variant has not been reported in the literature in individuals affected with DNAH1-related conditions. ClinVar contains an entry for this variant (Variation ID: 1971260). Advanced modeling of protein sequence and biophysical properties (such as structural, functional, and spatial information, amino acid conservation, physicochemical variation, residue mobility, and thermodynamic stability) performed at Invitae indicates that this missense variant is expected to disrupt DNAH1 protein function with a positive predictive value of 80%. In summary, the available evidence is currently insufficient to determine the role of this variant in disease. Therefore, it has been classified as a Variant of Uncertain Significance.

PreventionGenetics, part of Exact Sciences
Classification: Uncertain significance for DNAH1-related condition. Last evaluated: 2022-12-27. Review status: criteria provided, single submitter. Criteria: ACMG Guidelines, 2015. Collection method: clinical testing. Allele origin: germline.
Comment: The DNAH1 c.5804C>A variant is predicted to result in the amino acid substitution p.Ala1935Asp. To our knowledge, this variant has not been reported in the literature. This variant is reported in 0.012% of alleles in individuals of European (Non-Finnish) descent in gnomAD. At this time, the clinical significance of this variant is uncertain due to the absence of conclusive functional and genetic evidence.